The following is an entry in ClinVar:

ClinVar aggregate classification (germline): Pathogenic (1 of 4 stars; one submission).

Conditions:
Hereditary cancer-predisposing syndrome. Also called: Hereditary Cancer Syndrome; Hereditary neoplastic syndrome; Neoplastic Syndromes, Hereditary; Tumor predisposition. Identifiers: Orphanet 140162, MedGen C0027672, MeSH D009386, MONDO:0015356.

Submission:

Ambry Genetics
Classification: Pathogenic for Hereditary cancer-predisposing syndrome. Last evaluated: 2021-02-09. Review status: criteria provided, single submitter. Criteria: Ambry Variant Classification Scheme 2023. Collection method: clinical testing. Allele origin: germline.
Comment: The p.K431* pathogenic mutation (also known as c.1291A>T), located in coding exon 4 of the MSH6 gene, results from an A to T substitution at nucleotide position 1291. This changes the amino acid from a lysine to a stop codon within coding exon 4. This alteration is expected to result in loss of function by premature protein truncation or nonsense-mediated mRNA decay. As such, this alteration is interpreted as a disease-causing mutation.

NM_000179.3(MSH6):c.1291A>T (p.Lys431Ter)

Gene: MSH6 (mutS homolog 6; plus strand). Cytogenetic location: 2p16.3.
Variant type: single nucleotide variant.
Coding change: c.1291A>T on transcript NM_000179.3 (MANE Select); coding-DNA position 1291, A replaced by T.
Protein change: p.Lys431Ter; replaces lysine 431 with a stop codon.
Molecular consequence: nonsense.
Genome position (GRCh38, 1-based): chr2:47,799,274, A>T. VCF-style: chr2-47799274-A-T. GRCh37 (hg19) VCF-style: chr2-48026413-A-T.
Other names: c.901A>T, p.Lys301Ter (NM_001281492.2); c.385A>T, p.Lys129Ter (NM_001281493.2, NM_001281494.2, NM_001406811.1 and 6 more transcripts); c.1387A>T, p.Lys463Ter (NM_001406795.1, NM_001406802.1); c.1291A>T, p.Lys431Ter (NM_001406796.1, NM_001406798.1, NM_001406800.1 and 4 more transcripts); c.994A>T, p.Lys332Ter (NM_001406797.1, NM_001406801.1, NM_001406805.1 and 10 more transcripts); c.766A>T, p.Lys256Ter (NM_001406799.1, NM_001406806.1, NM_001406807.1); c.1213A>T, p.Lys405Ter (NM_001406804.1); c.1297A>T, p.Lys433Ter (NM_001406813.1); and 1 more; short protein forms K405*, K433*, K463*, K301*, K332*, K431*, K129*, K256*.
Identifiers: ClinVar variation 1769106 (VCV001769106.2), dbSNP rs2104333951, ClinGen allele CA346744188.
Genomic context (GRCh38, chr2:47,799,274, plus strand): 5'-AGGAAGTGGTGGCAGATTAAGTCTCAGAACTTTGATCTTGTCATCTGTTACAAGGTGGGG[A>T]AATTTTATGAGCTGTACCACATGGATGCTCTTATTGGAGTCAGTGAACTGGGGCTGGTAT-3'